The following is an entry in ClinVar:

ClinVar aggregate classification (germline): Uncertain significance. Review status: criteria provided, multiple submitters, no conflicts (2 of 4 stars). 2 submissions from 2 submitters: Uncertain significance (2). Last evaluated 2025-06-07.

Conditions:
Inborn genetic diseases. Identifiers: MedGen C0950123, MeSH D030342.
Hyperphosphatasia with impaired intellectual development syndrome 2. Also called: Hyperphosphatasia with intellectual disability syndrome 2; GLYCOSYLPHOSPHATIDYLINOSITOL BIOSYNTHESIS DEFECT 6. Identifiers: Orphanet 247262, MedGen C3553637, MONDO:0013882, OMIM 614749.

Submissions (2):

Ambry Genetics
Classification: Uncertain significance for Inborn genetic diseases. Last evaluated: 2025-06-07. Review status: criteria provided, single submitter. Criteria: Ambry Variant Classification Scheme 2023. Collection method: clinical testing. Allele origin: germline.

Labcorp Genetics (formerly Invitae), Labcorp
Classification: Uncertain significance for Hyperphosphatasia with impaired intellectual development syndrome 2. Last evaluated: 2022-07-19. Review status: criteria provided, single submitter. Criteria: Invitae Variant Classification Sherloc (09022015). Collection method: clinical testing. Allele origin: germline.
Comment: In summary, the available evidence is currently insufficient to determine the role of this variant in disease. Therefore, it has been classified as a Variant of Uncertain Significance. Algorithms developed to predict the effect of missense changes on protein structure and function are either unavailable or do not agree on the potential impact of this missense change (SIFT: "Tolerated"; PolyPhen-2: "Probably Damaging"; Align-GVGD: "Class C0"). ClinVar contains an entry for this variant (Variation ID: 954513). This variant has not been reported in the literature in individuals affected with PIGO-related conditions. This variant is not present in population databases (gnomAD no frequency). This sequence change replaces leucine, which is neutral and non-polar, with phenylalanine, which is neutral and non-polar, at codon 23 of the PIGO protein (p.Leu23Phe).

NM_032634.4(PIGO):c.67C>T (p.Leu23Phe)

Gene: PIGO (phosphatidylinositol glycan anchor biosynthesis class O; minus strand). Cytogenetic location: 9p13.3.
Variant type: single nucleotide variant.
Coding change: c.67C>T on transcript NM_032634.4 (MANE Select); coding-DNA position 67, C replaced by T.
Protein change: p.Leu23Phe; replaces leucine 23 with phenylalanine.
Molecular consequence: missense variant.
Genome position (GRCh38, 1-based): chr9:35,095,499, G>A on the plus strand (C>T on the coding strand, the complement: PIGO is on the minus strand). VCF-style: chr9-35095499-G-A. GRCh37 (hg19) VCF-style: chr9-35095496-G-A.
Other names: c.67C>T, p.Leu23Phe (NM_001201484.2, NM_152850.4); short protein forms L23F.
Identifiers: ClinVar variation 954513 (VCV000954513.10), dbSNP rs1396810510, ClinGen allele CA373325288.
Genomic context (GRCh38, chr9:35,095,499, plus strand): 5'-CTTGGCAGCTGCTATGGTTGGTGAGCTCCAAACGGGTGAGCAGGAAGCCACTGGTGAAGA[G>A]GGCAATGCCAGCGTAGAAGAGGAAGCAGACCCAGGCCAGGAAGAGCAACACTGAGGCTTT-3'
Protein context (NP_116023.2, residues 13-33): VCFLFYAGIA[Leu23Phe]FTSGFLLTRL